The following is an entry in ClinVar:

ClinVar aggregate classification (germline): Pathogenic (1 of 4 stars; one submission).

Submission:

ISCA site 4
Classification: Pathogenic. Last evaluated: 2011-08-12. Review status: criteria provided, single submitter. Criteria: Kaminsky et al. (Genet Med. 2011). Collection method: clinical testing. Allele origin: unknown. Affected: yes. Observed: 1 variant allele.
Comment: Copy number variation identified through the course of routine clinical cytogenomic testing in postnatal populations. Clinical assertions have been curated as described in Kaminsky et al. 2011.

GRCh38/hg38 1p13.1-12(chr1:116679122-119290029)x1

Genes: CD101 (CD101 molecule; plus strand), CD101-AS1 (CD101 antisense RNA 1; minus strand), CD2 (CD2 molecule; plus strand), CD2-LCR (CD2 locus control region; plus strand), GDAP2 (ganglioside induced differentiation associated protein 2; minus strand) and 64 more. Cytogenetic location: 1p13.1-12.
Variant type: copy number loss.
Change: copy number 1 (one copy instead of two) of chr1:116,679,122-119,290,029 (2.61 Mb, GRCh38 coordinates, 1-based), cytogenetic band 1p13.1-12.
Identifiers: ClinVar variation 57384 (VCV000057384.1).